The following is an entry in ClinVar:

NM_005476.7(GNE):c.1258C>T (p.Arg420Ter)

Gene: GNE (glucosamine (UDP-N-acetyl)-2-epimerase/N-acetylmannosamine kinase; minus strand). Cytogenetic location: 9p13.3.
Variant type: single nucleotide variant.
Coding change: c.1258C>T on transcript NM_005476.7 (MANE Select); coding-DNA position 1258, C replaced by T.
Protein change: p.Arg420Ter; replaces arginine 420 with a stop codon.
Molecular consequence: nonsense.
Genome position (GRCh38, 1-based): chr9:36,227,271, G>A on the plus strand (C>T on the coding strand, the complement: GNE is on the minus strand). VCF-style: chr9-36227271-G-A. GRCh37 (hg19) VCF-style: chr9-36227268-G-A.
Other names: p.Arg451*; c.1351C>T, p.Arg451Ter (NM_001128227.3); c.1258C>T, p.Arg420Ter (NM_001190383.3); c.928C>T, p.Arg310Ter (NM_001190384.3); c.1081C>T, p.Arg361Ter (NM_001190388.2, NM_001374798.1); c.1105C>T, p.Arg369Ter (NM_001374797.1); short protein forms R451*, R420*, R310*, R361*, R369*.
Identifiers: ClinVar variation 552288 (VCV000552288.15), dbSNP rs747199032, ClinGen allele CA5056550.

ClinVar aggregate classification (germline): Pathogenic. Review status: criteria provided, multiple submitters, no conflicts (2 of 4 stars). 6 submissions from 6 submitters: Pathogenic (5). 1 of the submissions does not count toward it. Last evaluated 2024-08-23.

Conditions:
Sialuria. Also called: SIALURIA, FRENCH TYPE; Sialic Acid Storage Disease. Identifiers: Orphanet 3166, MedGen C0342853, MONDO:0010028, OMIM 269921.
Thrombocytopenia 12 with or without myopathy (THC12). Identifiers: MedGen C5935593, MONDO:0958325, OMIM 620757.
GNE myopathy (NM). Also called: NONAKA DISTAL MYOPATHY; INCLUSION BODY MYOPATHY, HEREDITARY, AUTOSOMAL RECESSIVE; INCLUSION BODY MYOPATHY 2, AUTOSOMAL RECESSIVE; MYOPATHY, DISTAL, WITH OR WITHOUT RIMMED VACUOLES; IBM 2; Inclusion body myopathy autosomal recessive. Identifiers: Orphanet 602, MedGen C1853926, MONDO:0011603, OMIM 605820.

Allele frequency attached by ClinVar (database versions not stated): ExAC 0.00002; gnomAD exomes 0.00002 and 0.00001; TOPMed below 0.00001; gnomAD 0.00001.
gnomAD v4.1: 16 of 1,612,138 alleles (0.00099%); highest among the groups gnomAD compares: African/African-American, 0.0013%; no homozygotes.

Submissions (6):

Mayo Clinic Laboratories, Mayo Clinic
Classification: Pathogenic. Last evaluated: 2024-08-23. Review status: criteria provided, single submitter. Criteria: ACMG Guidelines, 2015. Collection method: clinical testing. Allele origin: germline. Observed: 1 variant allele.
Comment: PM2, PM3, PVS1

Fulgent Genetics
Classification: Pathogenic for Sialuria; GNE myopathy; Thrombocytopenia 12 with or without myopathy. Last evaluated: 2024-06-20. Review status: criteria provided, single submitter. Criteria: ACMG Guidelines, 2015. Collection method: clinical testing. Allele origin: germline.

Natera, Inc.
Classification: Pathogenic for Nonaka myopathy. Last evaluated: 2024-04-19. Review status: criteria provided, single submitter. Criteria: Natera Variant Classification Schema (03/2026). Collection method: clinical testing. Allele origin: germline.
Comment: The c.1351C>T variant in GNE is a nonsense variant predicted to introduce a stop codon at amino acid 451. This variant is expected to result in nonsense mediated decay, truncation, or a dysfunctional protein product. This variant is rare in the general population with a frequency below the threshold expected for the associated phenotype(s). This variant has been observed in one or more individuals affected with the associated recessive disease, as either homozygous or compound heterozygous with a second variant (PMID: 24005727). Given the available evidence, this variant is classified as Pathogenic.

Labcorp Genetics (formerly Invitae), Labcorp
Classification: Pathogenic for Sialuria; GNE myopathy. Last evaluated: 2023-01-20. Review status: criteria provided, single submitter. Criteria: Invitae Variant Classification Sherloc (09022015). Collection method: clinical testing. Allele origin: germline.
Comment: ClinVar contains an entry for this variant (Variation ID: 552288). For these reasons, this variant has been classified as Pathogenic. This variant is also known as R420X. This premature translational stop signal has been observed in individuals with clinical features of GNE-related myopathy (PMID: 15136692, 29480215). This variant is present in population databases (rs747199032, gnomAD 0.004%). This sequence change creates a premature translational stop signal (p.Arg451*) in the GNE gene. It is expected to result in an absent or disrupted protein product. Loss-of-function variants in GNE are known to be pathogenic (PMID: 24027297).

GeneDx
Classification: Pathogenic. Last evaluated: 2020-01-28. Review status: criteria provided, single submitter. Criteria: GeneDx Variant Classification Process June 2021. Collection method: clinical testing. Allele origin: germline. Affected: yes.
Comment: Nonsense variant predicted to result in protein truncation or nonsense mediated decay in a gene for which loss-of-function is a known mechanism of disease; Not observed at a significant frequency in large population cohorts (Lek et al., 2016); This variant is associated with the following publications: (PMID: 33198675, 24005727, 22507750, 15136692, 24796702, 25525159)

Counsyl
Classification: Pathogenic for GNE myopathy. Last evaluated: 2017-06-02. Review status: no assertion criteria provided. Collection method: clinical testing. Allele origin: unknown. Not counted in ClinVar's aggregate classification.

Literature cited by the submitters: PubMed 15136692 (cited by Mayo Clinic Laboratories, Mayo Clinic and Labcorp Genetics (formerly Invitae), Labcorp); PubMed 22507750 (cited by Mayo Clinic Laboratories, Mayo Clinic and Counsyl); PubMed 29480215 (cited by Mayo Clinic Laboratories, Mayo Clinic and Labcorp Genetics (formerly Invitae), Labcorp); PubMed 33198675 (cited by Mayo Clinic Laboratories, Mayo Clinic); PubMed 24005727 (cited by Natera, Inc. and Counsyl); PubMed 24027297 (cited by Labcorp Genetics (formerly Invitae), Labcorp).